The following is an entry in ClinVar:

NM_006767.4(LZTR1):c.719del (p.Met240fs)

Gene: LZTR1 (leucine zipper like post translational regulator 1; plus strand). Cytogenetic location: 22q11.21.
Variant type: Deletion.
Coding change: c.719del on transcript NM_006767.4 (MANE Select); coding-DNA position 719, one base deleted (T; older notation c.719delT).
Protein change: p.Met240fs; shifts the reading frame from methionine 240.
Molecular consequence: frameshift variant.
Genome position (GRCh38, 1-based): chr22:20,990,453, T deleted. VCF-style (leftmost placement, unchanged base first): chr22-20990452-AT-A. GRCh37 (hg19) VCF-style: chr22-21344741-AT-A.
Other names: short protein forms M240fs.
Identifiers: ClinVar variation 3728485 (VCV003728485.2).

ClinVar aggregate classification (germline): Pathogenic (1 of 4 stars; one submission).

Submission:

Labcorp Genetics (formerly Invitae), Labcorp
Classification: Pathogenic. Last evaluated: 2025-01-05. Review status: criteria provided, single submitter. Criteria: Invitae Variant Classification Sherloc (09022015). Collection method: clinical testing. Allele origin: germline.
Comment: This sequence change creates a premature translational stop signal (p.Met240Serfs*12) in the LZTR1 gene. It is expected to result in an absent or disrupted protein product. Loss-of-function variants in LZTR1 are known to be pathogenic (PMID: 24362817, 25335493, 25480913, 25795793, 29469822, 30368668, 30442762, 30442766, 30481304, 30859559). This variant is not present in population databases (gnomAD no frequency). This variant has not been reported in the literature in individuals affected with LZTR1-related conditions. For these reasons, this variant has been classified as Pathogenic.

Literature cited by the submitters: PubMed 24362817; PubMed 25335493; PubMed 25480913; PubMed 25795793; PubMed 29469822; PubMed 30368668; PubMed 30442762; PubMed 30442766; PubMed 30481304; PubMed 30859559.